The following is an entry in ClinVar:

ClinVar aggregate classification (germline): Likely benign. Review status: criteria provided, multiple submitters, no conflicts (2 of 4 stars). 3 submissions from 3 submitters: Likely benign (2). 1 of the submissions does not count toward it. Last evaluated 2025-11-27.

Conditions:
Pfeiffer syndrome (ACS5). Also called: ACS V. Identifiers: Orphanet 710, MedGen C0220658, MONDO:0007043, OMIM 101600.
Hypogonadotropic hypogonadism 2 with or without anosmia (HH2). Also called: HYPOGONADOTROPIC HYPOGONADISM 2 WITH OR WITHOUT ANOSMIA, SUSCEPTIBILITY TO; HYPOGONADOTROPIC HYPOGONADISM 2 WITHOUT ANOSMIA, SUSCEPTIBILITY TO; FGFR1-Related GnRH Deficiency (Kallmann Syndrome 2); HYPOGONADOTROPIC HYPOGONADISM 2 WITHOUT ANOSMIA. Identifiers: Orphanet 478, MedGen C1563720, MONDO:0007844, OMIM 147950. Disease mechanism: loss of function.
FGFR1-related disorder. Also called: FGFR1-related condition; FGFR1-related disorders. Identifiers: MedGen CN380097.

Allele frequency attached by ClinVar (database versions not stated): TOPMed 0.00008; gnomAD 0.00009 and 0.00012; ExAC 0.00011; gnomAD exomes 0.00012; ESP Exome Variant Server 0.00015; 1000 Genomes Project 30x 0.00078; 1000 Genomes Project 0.00100.
gnomAD v4.1: 68 of 1,613,590 alleles (0.0042%); highest among the groups gnomAD compares: East Asian, 0.038%; no homozygotes.

Submissions (3):

Labcorp Genetics (formerly Invitae), Labcorp
Classification: Likely benign for Pfeiffer syndrome; Hypogonadotropic hypogonadism 2 with or without anosmia. Last evaluated: 2025-11-27. Review status: criteria provided, single submitter. Criteria: Invitae Variant Classification Sherloc (09022015). Collection method: clinical testing. Allele origin: germline.

ARUP Laboratories, Molecular Genetics and Genomics, ARUP Laboratories
Classification: Likely benign. Last evaluated: 2023-08-07. Review status: criteria provided, single submitter. Criteria: ARUP Molecular Germline Variant Investigation Process 2024. Collection method: clinical testing. Allele origin: germline.

PreventionGenetics, part of Exact Sciences
Classification: Likely benign for FGFR1-related condition. Last evaluated: 2020-03-02. Review status: no assertion criteria provided. Collection method: clinical testing. Allele origin: germline. Not counted in ClinVar's aggregate classification.
Comment: This variant is classified as likely benign based on ACMG/AMP sequence variant interpretation guidelines (Richards et al. 2015 PMID: 25741868, with internal and published modifications).

NM_023110.3(FGFR1):c.69G>A (p.Pro23=)

Gene: FGFR1 (fibroblast growth factor receptor 1; minus strand). Cytogenetic location: 8p11.23.
Variant type: single nucleotide variant.
Coding change: c.69G>A on transcript NM_023110.3 (MANE Select); coding-DNA position 69, G replaced by A.
Protein change: p.Pro23=; no amino-acid change (proline 23 retained).
Molecular consequence: synonymous variant. On other transcripts: 5 prime UTR variant (1).
Genome position (GRCh38, 1-based): chr8:38,457,378, C>T on the plus strand (G>A on the coding strand, the complement: FGFR1 is on the minus strand). VCF-style: chr8-38457378-C-T. GRCh37 (hg19) VCF-style: chr8-38314896-C-T.
Other names: c.69G>A, p.Pro23= (NM_001174063.2, NM_001174065.2, NM_001174066.2 and 7 more transcripts); c.-24G>A (NM_001174064.2); c.168G>A, p.Pro56= (NM_001174067.2).
Identifiers: ClinVar variation 699430 (VCV000699430.10), dbSNP rs369704492, ClinGen allele CA4718942.